The following is an entry in ClinVar:

ClinVar aggregate classification (germline): Uncertain significance (1 of 4 stars; one submission).

Submission:

GeneDx
Classification: Uncertain significance. Last evaluated: 2024-10-14. Review status: criteria provided, single submitter. Criteria: GeneDx Variant Classification Process June 2021. Collection method: clinical testing. Allele origin: germline. Affected: yes.
Comment: In silico analysis indicates that this missense variant does not alter protein structure/function; Not observed at significant frequency in large population cohorts (gnomAD); Has not been previously published as pathogenic or benign to our knowledge

NM_032590.5(KDM2B):c.3159C>G (p.Asp1053Glu)

Gene: KDM2B (lysine demethylase 2B; minus strand). Cytogenetic location: 12q24.31.
Variant type: single nucleotide variant.
Coding change: c.3159C>G on transcript NM_032590.5 (MANE Select); coding-DNA position 3159, C replaced by G.
Protein change: p.Asp1053Glu; replaces aspartic acid 1053 with glutamic acid.
Molecular consequence: missense variant.
Genome position (GRCh38, 1-based): chr12:121,442,282, G>C on the plus strand (C>G on the coding strand, the complement: KDM2B is on the minus strand). VCF-style: chr12-121442282-G-C. GRCh37 (hg19) VCF-style: chr12-121880085-G-C.
Other names: c.2952C>G, p.Asp984Glu (NM_001005366.2); short protein forms D1053E, D984E.
Identifiers: ClinVar variation 3777270 (VCV003777270.1).